The following is an entry in ClinVar:

NM_000492.4(CFTR):c.163A>G (p.Arg55Gly)

Gene: CFTR (CF transmembrane conductance regulator; plus strand). Cytogenetic location: 7q31.2.
Variant type: single nucleotide variant.
Coding change: c.163A>G on transcript NM_000492.4 (MANE Select); coding-DNA position 163, A replaced by G.
Protein change: p.Arg55Gly; replaces arginine 55 with glycine.
Molecular consequence: missense variant.
Genome position (GRCh38, 1-based): chr7:117,504,362, A>G. VCF-style: chr7-117504362-A-G. GRCh37 (hg19) VCF-style: chr7-117144416-A-G.
Other names: short protein forms R55G.
Identifiers: ClinVar variation 1777000 (VCV001777000.2), dbSNP rs1798381048, ClinGen allele CA368987561.

ClinVar aggregate classification (germline): Uncertain significance (1 of 4 stars; one submission).

Conditions:
Cystic fibrosis (CF). Also called: MUCOVISCIDOSIS. Identifiers: Orphanet 586, MedGen C0010674, MONDO:0009061, OMIM 219700. Disease mechanism: loss of function.

Submission:

Ambry Genetics
Classification: Uncertain significance for Cystic fibrosis. Last evaluated: 2018-05-15. Review status: criteria provided, single submitter. Criteria: Ambry Variant Classification Scheme 2023. Collection method: clinical testing. Allele origin: germline.
Comment: The p.R55G variant (also known as c.163A>G), located in coding exon 2 of the CFTR gene, results from an A to G substitution at nucleotide position 163. The arginine at codon 55 is replaced by glycine, an amino acid with dissimilar properties. This amino acid position is highly conserved in available vertebrate species. In addition, the in silico prediction for this alteration is inconclusive. Since supporting evidence is limited at this time, the clinical significance of this alteration remains unclear.